The following is an entry in ClinVar:

NM_199242.3(UNC13D):c.280G>A (p.Glu94Lys)

Gene: UNC13D (unc-13 homolog D; minus strand). Cytogenetic location: 17q25.1.
Variant type: single nucleotide variant.
Coding change: c.280G>A on transcript NM_199242.3 (MANE Select); coding-DNA position 280, G replaced by A.
Protein change: p.Glu94Lys; replaces glutamic acid 94 with lysine.
Molecular consequence: missense variant.
Genome position (GRCh38, 1-based): chr17:75,843,055, C>T on the plus strand (G>A on the coding strand, the complement: UNC13D is on the minus strand). VCF-style: chr17-75843055-C-T. GRCh37 (hg19) VCF-style: chr17-73839136-C-T.
Other names: short protein forms E94K.
Identifiers: ClinVar variation 846762 (VCV000846762.6), dbSNP rs537781874, ClinGen allele CA8773541.

ClinVar aggregate classification (germline): Uncertain significance. Review status: criteria provided, multiple submitters, no conflicts (2 of 4 stars). 2 submissions from 2 submitters: Uncertain significance (2). Last evaluated 2025-02-23.

Conditions:
Familial hemophagocytic lymphohistiocytosis 3 (FHL3). Also called: UNC13D-Related Familial Hemophagocytic Lymphohistiocytosis (UNC13D-fHLH). Identifiers: Orphanet 540, MedGen C1837174, MONDO:0012146, OMIM 608898.
Inborn genetic diseases. Identifiers: MedGen C0950123, MeSH D030342.

Allele frequency attached by ClinVar (database versions not stated): ExAC 0.00002; TOPMed 0.00002; gnomAD exomes 0.00003 and 0.00005; gnomAD 0.00004; 1000 Genomes Project 30x 0.00016; 1000 Genomes Project 0.00020.
gnomAD v4.1: 65 of 1,408,420 alleles (0.0046%); highest among the groups gnomAD compares: Admixed American, 0.041%; 1 homozygote.

Submissions (2):

Ambry Genetics
Classification: Uncertain significance for Inborn genetic diseases. Last evaluated: 2025-02-23. Review status: criteria provided, single submitter. Criteria: Ambry Variant Classification Scheme 2023. Collection method: clinical testing. Allele origin: germline.

Labcorp Genetics (formerly Invitae), Labcorp
Classification: Uncertain significance for Familial hemophagocytic lymphohistiocytosis 3. Last evaluated: 2022-07-14. Review status: criteria provided, single submitter. Criteria: Invitae Variant Classification Sherloc (09022015). Collection method: clinical testing. Allele origin: germline.
Comment: This sequence change replaces glutamic acid, which is acidic and polar, with lysine, which is basic and polar, at codon 94 of the UNC13D protein (p.Glu94Lys). This variant is present in population databases (rs537781874, gnomAD 0.009%). This variant has not been reported in the literature in individuals affected with UNC13D-related conditions. ClinVar contains an entry for this variant (Variation ID: 846762). Algorithms developed to predict the effect of missense changes on protein structure and function output the following: SIFT: "Not Available"; PolyPhen-2: "Benign"; Align-GVGD: "Not Available". The lysine amino acid residue is found in multiple mammalian species, which suggests that this missense change does not adversely affect protein function. In summary, the available evidence is currently insufficient to determine the role of this variant in disease. Therefore, it has been classified as a Variant of Uncertain Significance.